The following is an entry in ClinVar:

NM_080916.3(DGUOK):c.763_766dup (p.Phe256Ter)

Genes: DGUOK (deoxyguanosine kinase; plus strand), DGUOK-AS1 (DGUOK antisense RNA 1; minus strand). Cytogenetic location: 2p13.1.
Variant type: Duplication.
Coding change: c.763_766dup on transcript NM_080916.3 (MANE Select); coding-DNA positions 763 to 766, 4 bases duplicated (GATT; older notation c.763_766dupGATT).
Protein change: p.Phe256Ter; replaces phenylalanine 256 with a stop codon.
Molecular consequence: nonsense. On other transcripts: non-coding transcript variant (8).
Genome position (GRCh38, 1-based): chr2:73,958,201-73,958,204, GATT duplicated; duplicating any 4 consecutive bases within chr2:73,958,200-73,958,204 gives the same sequence; the c. name uses the placement nearest the transcript's 3' end. VCF-style (leftmost placement, unchanged base first): chr2-73958199-A-ATGAT. GRCh37 (hg19) VCF-style: chr2-74185326-A-ATGAT.
Other names: c.763_766dup (NM_080916.1); c.481_484dup, p.Phe162Ter (NM_001318859.2); c.472_475dup, p.Phe159Ter (NM_001318860.2, NM_001318861.2); c.454_457dup, p.Phe153Ter (NM_001318862.2, NM_001318863.2); c.499_502dup, p.Phe168Ter (NM_080918.3); c.763_766dupGATT (NM_080916.2); c.761_762insTGAT (NM_080916.3); short protein forms F162*, F168*, F153*, F159*, F256*.
Identifiers: ClinVar variation 8155 (VCV000008155.19), dbSNP rs763706988, ClinGen allele CA1718354.

ClinVar aggregate classification (germline): Pathogenic/Likely pathogenic. Review status: criteria provided, multiple submitters, no conflicts (2 of 4 stars). 12 submissions from 12 submitters: Pathogenic (8); Likely pathogenic (2). 2 of the submissions do not count toward it. Last evaluated 2026-08-19.

Conditions:
Mitochondrial DNA depletion syndrome 3 (hepatocerebral type). Also called: Deoxyguanosine Kinase Deficiency; Mitochondrial DNA depletion syndrome, hepatocerebral form due to DGUOK deficiency; MITOCHONDRIAL DNA DEPLETION SYNDROME 3. Identifiers: Orphanet 279934, MedGen CN074093, MONDO:0009636, OMIM 251880.
Portal hypertension, noncirrhotic, 1 (NCPH1). Identifiers: MedGen CN305369, MONDO:8000013, OMIM 617068.
Progressive external ophthalmoplegia with mitochondrial DNA deletions, autosomal recessive 4. Also called: Adult-onset multiple mitochondrial DNA deletion syndrome due to DGUOK deficiency; PROGRESSIVE EXTERNAL OPHTHALMOPLEGIA, AUTOSOMAL RECESSIVE 4. Identifiers: Orphanet 329314, MedGen C4310733, MONDO:0014899, OMIM 617070.
DGUOK-related disorder. Also called: DGUOK-related condition.

Submissions (12):

Molecular Genetics Laboratory, CHU Lille
Classification: Pathogenic for Portal hypertension, noncirrhotic, 1. Last evaluated: 2026-08-19. Review status: criteria provided, single submitter. Criteria: ACMG Guidelines, 2015. Collection method: clinical testing. Allele origin: germline. Affected: yes.
Comment: This variant creates a premature translational stop signal (p.Phe256Ter), likely leading to an absent or disrupted protein product. This sequence change is found at a extrememly low frequency in population databases (heterozygous allele only). It has been identified in patients with mitochondrial DNA depletion syndrome, and is reported in ClinVar as pathogenic/likely pathogenic.

Mendelics
Classification: Pathogenic for Mitochondrial DNA depletion syndrome 3 (hepatocerebral type). Last evaluated: 2026-03-05. Review status: criteria provided, single submitter. Criteria: ACMG Guidelines, 2015. Collection method: clinical testing. Allele origin: unknown.
Comment: Likely pathogenic/Pathogenic according to ACMG criteria.

GeneDx
Classification: Pathogenic. Last evaluated: 2025-11-26. Review status: criteria provided, single submitter. Criteria: GeneDx Variant Classification Process June 2021. Collection method: clinical testing. Allele origin: germline. Affected: yes.
Comment: Nonsense variant predicted to result in protein truncation, as the last 22 amino acids are lost, and other loss-of-function variants have been reported downstream in HGMD; Not observed at significant frequency in large population cohorts (gnomAD); This variant is associated with the following publications: (PMID: 24362886, 17073823, 19748572, 25738457, 19265691, 18205204, 24321534, 31589614, 26117549, 37204315, 39400921, 12205643, 24478274, 22980518, 38756539, 37976411, 14568816, 15150663, 35750291)

Labcorp Genetics (formerly Invitae), Labcorp
Classification: Pathogenic. Last evaluated: 2025-10-02. Review status: criteria provided, single submitter. Criteria: Invitae Variant Classification Sherloc (09022015). Collection method: clinical testing. Allele origin: germline.
Comment: This sequence change creates a premature translational stop signal (p.Phe256*) in the DGUOK gene. While this is not anticipated to result in nonsense mediated decay, it is expected to disrupt the last 22 amino acid(s) of the DGUOK protein. This variant is present in population databases (rs763706988, gnomAD 0.009%). This premature translational stop signal has been observed in individuals with mitochondrial DNA depletion syndrome (PMID: 14568816, 16263314, 17073823, 18205204, 19265691, 24321534). This variant is also known as c.796insTGAT. ClinVar contains an entry for this variant (Variation ID: 8155). For these reasons, this variant has been classified as Pathogenic.

PreventionGenetics, part of Exact Sciences
Classification: Pathogenic for DGUOK-related condition. Last evaluated: 2025-07-08. Review status: criteria provided, single submitter. Criteria: ACMG Guidelines, 2015. Collection method: clinical testing. Allele origin: germline.
Comment: The DGUOK c.763_766dupGATT variant is predicted to result in premature protein termination (p.Phe256*). This variant has been reported in the homozygous state as well as the heterozygous state along with a second DGUOK variant in individuals with a hepatocerebral form of mitochondrial DNA depletion syndrome (see for example: Mancuso et al. 2003. PubMed ID: 14568816; Mousson et al. 2007. PubMed ID: 17073823, Villarroya et al. 2009. PubMed ID: 19265691). Functional studies suggest that this variant results in significantly reduced enzyme activity compared to controls (Mousson et al. 2007. PubMed ID: 17073823). This variant is reported in 0.0087% of alleles in individuals of Latino descent in gnomAD. Nonsense variants in DGUOK are expected to be pathogenic. This variant is interpreted as pathogenic.

Fulgent Genetics
Classification: Likely pathogenic for Mitochondrial DNA depletion syndrome 3 (hepatocerebral type); Portal hypertension, noncirrhotic, 1; Progressive external ophthalmoplegia with mitochondrial DNA deletions, autosomal recessive 4. Last evaluated: 2024-06-21. Review status: criteria provided, single submitter. Criteria: ACMG Guidelines, 2015. Collection method: clinical testing. Allele origin: germline.

Genomic Medicine Center of Excellence, King Faisal Specialist Hospital and Research Centre
Classification: Likely pathogenic for Mitochondrial DNA depletion syndrome 3 (hepatocerebral type). Last evaluated: 2024-03-25. Review status: criteria provided, single submitter. Criteria: ACMG Guidelines, 2015. Collection method: research. Allele origin: germline.

Women's Health and Genetics/Laboratory Corporation of America, LabCorp
Classification: Pathogenic for DGUOK-Related Disorders. Last evaluated: 2023-07-25. Review status: criteria provided, single submitter. Criteria: LabCorp Variant Classification Summary - May 2015. Collection method: clinical testing. Allele origin: germline.
Comment: Variant summary: DGUOK c.763_766dupGATT (p.Phe256X), also referred to as c.796insTGAT in the literature, results in a premature termination codon and although nonsense mediated decay is not expected, it is predicted to cause a truncation of the encoded protein, a commonly known mechanism for disease. The variant allele was found at a frequency of 2e-05 in 251464 control chromosomes (gnomAD). c.763_766dupGATT has been reported in the literature as a biallelic genotype in individuals affected with DGUOK-Related Disorders including mitochondrial DNA depletion syndrome (e.g. Slama_2005, Mousson de Camaret_2007, Dimmock_2008). These data indicate that the variant is likely to be associated with disease. At least one publication reports experimental evidence evaluating an impact on protein function and found the variant results in <5% of normal activity (e.g. Mousson de Camaret_2007). The following publications have been ascertained in the context of this evaluation (PMID: 18205204, 17073823, 16263314). Five submitters have cited clinical-significance assessments for this variant to ClinVar after 2014 and all classified the variant as pathogenic. Based on the evidence outlined above, the variant was classified as pathogenic.

Laboratorio de Genetica e Diagnostico Molecular, Hospital Israelita Albert Einstein
Classification: Pathogenic for Mitochondrial DNA depletion syndrome 3 (hepatocerebral type). Last evaluated: 2022-07-25. Review status: criteria provided, single submitter. Criteria: ACMG Guidelines, 2015. Collection method: clinical testing. Allele origin: germline. Affected: yes.
Comment: ACMG classification criteria: PVS1 strong, PS4 moderated, PM2 moderated, PM3 moderated

Revvity Omics, Revvity
Classification: Pathogenic. Last evaluated: 2021-12-02. Review status: criteria provided, single submitter. Criteria: ACMG Guidelines, 2015. Collection method: clinical testing. Allele origin: germline.

Biochemical Molecular Genetic Laboratory, King Abdulaziz Medical City
Classification: Pathogenic for Mitochondrial DNA depletion syndrome 3 (hepatocerebral type). Last evaluated: 2019-09-26. Review status: no assertion criteria provided. Collection method: clinical testing. Allele origin: germline. Affected: yes. Not counted in ClinVar's aggregate classification.

OMIM
Classification: Pathogenic for MITOCHONDRIAL DNA DEPLETION SYNDROME 3 (HEPATOCEREBRAL TYPE). Last evaluated: 2002-09-01. Review status: no assertion criteria provided. Collection method: literature only. Allele origin: germline. Not counted in ClinVar's aggregate classification.

Literature cited by the submitters: PubMed 14568816 (cited by Labcorp Genetics (formerly Invitae), Labcorp); PubMed 16263314 (cited by Labcorp Genetics (formerly Invitae), Labcorp and Women's Health and Genetics/Laboratory Corporation of America, LabCorp); PubMed 17073823 (cited by Labcorp Genetics (formerly Invitae), Labcorp and Women's Health and Genetics/Laboratory Corporation of America, LabCorp); PubMed 18205204 (cited by Labcorp Genetics (formerly Invitae), Labcorp and Women's Health and Genetics/Laboratory Corporation of America, LabCorp); PubMed 19265691 (cited by Labcorp Genetics (formerly Invitae), Labcorp); PubMed 24321534 (cited by Labcorp Genetics (formerly Invitae), Labcorp); PubMed 12205643 (cited by OMIM).